The following is an entry in ClinVar:

ClinVar aggregate classification (germline): Uncertain significance. Review status: criteria provided, multiple submitters, no conflicts (2 of 4 stars). 2 submissions from 2 submitters: Uncertain significance (2). Last evaluated 2025-10-07.

Allele frequency attached by ClinVar (database versions not stated): gnomAD exomes below 0.00001; ExAC 0.00001; TOPMed 0.00001.
gnomAD v4.1: 4 of 1,613,120 alleles (0.00025%); highest among the groups gnomAD compares: Middle Eastern, 0.033%; no homozygotes.

Submissions (2):

Labcorp Genetics (formerly Invitae), Labcorp
Classification: Uncertain significance. Last evaluated: 2025-10-07. Review status: criteria provided, single submitter. Criteria: Invitae Variant Classification Sherloc (09022015). Collection method: clinical testing. Allele origin: germline.
Comment: This sequence change replaces lysine, which is basic and polar, with asparagine, which is neutral and polar, at codon 1391 of the COL11A1 protein (p.Lys1391Asn). This variant is not present in population databases (gnomAD no frequency). This variant has not been reported in the literature in individuals affected with COL11A1-related conditions. ClinVar contains an entry for this variant (Variation ID: 1307469). Invitae Evidence Modeling of protein sequence and biophysical properties (such as structural, functional, and spatial information, amino acid conservation, physicochemical variation, residue mobility, and thermodynamic stability) indicates that this missense variant is not expected to disrupt COL11A1 protein function with a negative predictive value of 80%. In summary, the available evidence is currently insufficient to determine the role of this variant in disease. Therefore, it has been classified as a Variant of Uncertain Significance.

GeneDx
Classification: Uncertain significance. Last evaluated: 2019-07-26. Review status: criteria provided, single submitter. Criteria: GeneDx Variant Classification Process June 2021. Collection method: clinical testing. Allele origin: germline. Affected: yes.
Comment: Has not been previously published as pathogenic or benign to our knowledge; Not observed in large population cohorts (Lek et al., 2016); In silico analysis, which includes protein predictors and evolutionary conservation, supports a deleterious effect

NM_001854.4(COL11A1):c.4173A>T (p.Lys1391Asn)

Gene: COL11A1 (collagen type XI alpha 1 chain; minus strand). Cytogenetic location: 1p21.1.
Variant type: single nucleotide variant.
Coding change: c.4173A>T on transcript NM_001854.4 (MANE Select); coding-DNA position 4173, A replaced by T.
Protein change: p.Lys1391Asn; replaces lysine 1391 with asparagine.
Molecular consequence: missense variant. On other transcripts: non-coding transcript variant (1).
Genome position (GRCh38, 1-based): chr1:102,898,741, T>A on the plus strand (A>T on the coding strand, the complement: COL11A1 is on the minus strand). VCF-style: chr1-102898741-T-A. GRCh37 (hg19) VCF-style: chr1-103364297-T-A.
Other names: c.4056A>T, p.Lys1352Asn (NM_001190709.2); c.4209A>T, p.Lys1403Asn (NM_080629.3); c.3825A>T, p.Lys1275Asn (NM_080630.4); short protein forms K1275N, K1352N, K1391N, K1403N.
Identifiers: ClinVar variation 1307469 (VCV001307469.3), dbSNP rs753496492, ClinGen allele CA973644.